The following is an entry in ClinVar:

NM_001126128.2(PROK2):c.82G>A (p.Ala28Thr)

Gene: PROK2 (prokineticin 2; minus strand). Cytogenetic location: 3p13.
Variant type: single nucleotide variant.
Coding change: c.82G>A on transcript NM_001126128.2 (MANE Select); coding-DNA position 82, G replaced by A.
Protein change: p.Ala28Thr; replaces alanine 28 with threonine.
Molecular consequence: missense variant.
Genome position (GRCh38, 1-based): chr3:71,784,971, C>T on the plus strand (G>A on the coding strand, the complement: PROK2 is on the minus strand). VCF-style: chr3-71784971-C-T. GRCh37 (hg19) VCF-style: chr3-71834122-C-T.
Other names: c.82G>A, p.Ala28Thr (NM_021935.4); short protein forms A28T.
Identifiers: ClinVar variation 4982109 (VCV004982109.1).

ClinVar aggregate classification (germline): Uncertain significance (1 of 4 stars; one submission).

Conditions:
PROK2-related disorder. Also called: PROK2-related condition.

gnomAD v4.1: 18 of 1,249,012 alleles (0.0014%); highest among the groups gnomAD compares: Non-Finnish European, 0.0018%; no homozygotes.

Submission:

PreventionGenetics, part of Exact Sciences
Classification: Uncertain significance for PROK2-related condition. Last evaluated: 2025-11-20. Review status: criteria provided, single submitter. Criteria: ACMG Guidelines, 2015. Collection method: clinical testing. Allele origin: germline.
Comment: The PROK2 c.82G>A variant is predicted to result in the amino acid substitution p.Ala28Thr. To our knowledge, this variant has not been reported in the literature. This variant is not reported in gnomAD v2. However, in gnomAD v4 (available only on GRCh38), this variant is reported in 18 alleles of a subpopulation. At this time, the clinical significance of this variant is uncertain due to the absence of conclusive functional and genetic evidence.